The following is an entry in ClinVar:

ClinVar aggregate classification (germline): Uncertain significance (1 of 4 stars; one submission).

Conditions:
Bethlem myopathy 1A. Also called: Bethlem myopathy 1; MYOPATHY, BENIGN CONGENITAL, WITH CONTRACTURES; Bethlem Muscular Dystrophy. Identifiers: Orphanet 610, MedGen CN029274, MONDO:0024530, OMIM 158810.

Submission:

Labcorp Genetics (formerly Invitae), Labcorp
Classification: Uncertain significance for Bethlem myopathy 1A. Last evaluated: 2022-11-17. Review status: criteria provided, single submitter. Criteria: Invitae Variant Classification Sherloc (09022015). Collection method: clinical testing. Allele origin: germline.
Comment: In summary, the available evidence is currently insufficient to determine the role of this variant in disease. Therefore, it has been classified as a Variant of Uncertain Significance. Advanced modeling of protein sequence and biophysical properties (such as structural, functional, and spatial information, amino acid conservation, physicochemical variation, residue mobility, and thermodynamic stability) performed at Invitae indicates that this missense variant is not expected to disrupt COL6A3 protein function. This variant has not been reported in the literature in individuals affected with COL6A3-related conditions. This variant is not present in population databases (gnomAD no frequency). This sequence change replaces tryptophan, which is neutral and slightly polar, with cysteine, which is neutral and slightly polar, at codon 48 of the COL6A3 protein (p.Trp48Cys).

NM_004369.4(COL6A3):c.144G>C (p.Trp48Cys)

Gene: COL6A3 (collagen type VI alpha 3 chain; minus strand). Cytogenetic location: 2q37.3.
Variant type: single nucleotide variant.
Coding change: c.144G>C on transcript NM_004369.4 (MANE Select); coding-DNA position 144, G replaced by C.
Protein change: p.Trp48Cys; replaces tryptophan 48 with cysteine.
Molecular consequence: missense variant. On other transcripts: intron variant (4).
Genome position (GRCh38, 1-based): chr2:237,395,152, C>G on the plus strand (G>C on the coding strand, the complement: COL6A3 is on the minus strand). VCF-style: chr2-237395152-C-G. GRCh37 (hg19) VCF-style: chr2-238303795-C-G.
Other names: c.91+1575G>C (NM_057166.5, NM_057167.4, NM_057164.5 and 1 more transcripts); short protein forms W48C.
Identifiers: ClinVar variation 2814849 (VCV002814849.3), dbSNP rs2469975213, ClinGen allele CA351228344.